The following is an entry in ClinVar:

NM_001142966.3(GREB1L):c.1987_1992del

Gene: GREB1L (GREB1 like retinoic acid receptor coactivator; plus strand). Cytogenetic location: 18q11.1.
Variant type: Microsatellite.
Coding change: c.1987_1992del on transcript NM_001142966.3 (MANE Select); coding-DNA positions 1987 to 1992, 6 bases deleted (TTAGAT; older notation c.1987_1992delTTAGAT).
Molecular consequence: splice acceptor variant.
Genome position (GRCh38, 1-based): chr18:21,454,368-21,454,373, TTAGAT deleted; deleting any 6 consecutive bases within chr18:21,454,361-21,454,373 gives the same sequence; the c. name uses the placement nearest the transcript's 3' end. VCF-style (leftmost placement, unchanged base first): chr18-21454360-TTTTAGA-T. GRCh37 (hg19) VCF-style: chr18-19034321-TTTTAGA-T.
Identifiers: ClinVar variation 3601156 (VCV003601156.1).

ClinVar aggregate classification (germline): Likely pathogenic (1 of 4 stars; one submission).

Conditions:
Hearing loss, autosomal dominant 80. Also called: DEAFNESS, AUTOSOMAL DOMINANT 80. Identifiers: MedGen C5543289, MONDO:0030998, OMIM 619274.

Submission:

Institute of Rare Diseases, West China Hospital, Sichuan University
Classification: Likely pathogenic for Hearing loss, autosomal dominant 80. Last evaluated: 2025-01-09. Review status: criteria provided, single submitter. Criteria: ClinGen HL ACMG Specifications v1. Collection method: research. Allele origin: germline. Affected: yes.
Comment: PVS1;PM2_Supporting